The following is an entry in ClinVar:

NM_001267550.2(TTN):c.44390A>G (p.Tyr14797Cys)

Gene: TTN (titin; minus strand). Cytogenetic location: 2q31.2.
Variant type: single nucleotide variant.
Coding change: c.44390A>G on transcript NM_001267550.2 (MANE Select); coding-DNA position 44390, A replaced by G.
Protein change: p.Tyr14797Cys; replaces tyrosine 14797 with cysteine.
Molecular consequence: missense variant.
Genome position (GRCh38, 1-based): chr2:178,629,335, T>C on the plus strand (A>G on the coding strand, the complement: TTN is on the minus strand). VCF-style: chr2-178629335-T-C. GRCh37 (hg19) VCF-style: chr2-179494062-T-C.
Other names: c.36686A>G, p.Tyr12229Cys (NM_133378.4); c.39467A>G, p.Tyr13156Cys (NM_001256850.1); c.17195A>G, p.Tyr5732Cys (NM_003319.4); c.17570A>G, p.Tyr5857Cys (NM_133432.3); c.17771A>G, p.Tyr5924Cys (NM_133437.4); short protein forms Y12229C, Y14797C, Y5732C, Y5857C, Y13156C, Y5924C.
Identifiers: ClinVar variation 229435 (VCV000229435.5), dbSNP rs876658060, ClinGen allele CA10576528.
Genomic context (GRCh38, chr2:178,629,335, plus strand): 5'-AAAGACAAGGCATGCCTGCTTTTTACCTTATCGCTGGGCTCTAGTTTCTTCCCTTTGAGA[T>C]ACCATTCCACTGGGATATCTTCGTAGGAGAGCTCGCAGTCGAAGGTGGCTGTTTCCCCTG-3'
Protein context (NP_001254479.2, residues 14787-14807): LSYEDIPVEW[Tyr14797Cys]LKGKKLEPSD

ClinVar aggregate classification (germline): Uncertain significance (1 of 4 stars; one submission).

Allele frequency attached by ClinVar (database versions not stated): gnomAD exomes below 0.00001.
gnomAD v4.1: 1 of 1,612,836 alleles (0.000062%); highest among the groups gnomAD compares: Non-Finnish European, 0.000085%; no homozygotes.

Submission:

Laboratory for Molecular Medicine, Mass General Brigham Personalized Medicine
Classification: Uncertain significance. Last evaluated: 2015-03-30. Review status: criteria provided, single submitter. Criteria: LMM Criteria. Collection method: clinical testing. Allele origin: germline. Observed: 1 variant allele.
Comment: The p.Tyr12229Cys variant in TTN not been previously reported in individuals wit h cardiomyopathy or in large population studies. Computational prediction tools and conservation analyses do not provide strong support for or against an impact to the protein. In summary, the clinical significance of the p.Tyr12229Cys vari ant is uncertain.